The following is an entry in ClinVar:

NM_000037.4(ANK1):c.3115G>T (p.Glu1039Ter)

Gene: ANK1 (ankyrin 1; minus strand). Cytogenetic location: 8p11.21.
Variant type: single nucleotide variant.
Coding change: c.3115G>T on transcript NM_000037.4 (MANE Select); coding-DNA position 3115, G replaced by T.
Protein change: p.Glu1039Ter; replaces glutamic acid 1039 with a stop codon.
Molecular consequence: nonsense.
Genome position (GRCh38, 1-based): chr8:41,695,177, C>A on the plus strand (G>T on the coding strand, the complement: ANK1 is on the minus strand). VCF-style: chr8-41695177-C-A. GRCh37 (hg19) VCF-style: chr8-41552695-C-A.
Other names: c.3238G>T, p.Glu1080Ter (NM_001142446.2); c.3115G>T, p.Glu1039Ter (NM_020475.3, NM_020476.3, NM_020477.3); short protein forms E1080*, E1039*.
Identifiers: ClinVar variation 3723959 (VCV003723959.2).

ClinVar aggregate classification (germline): Pathogenic (1 of 4 stars; one submission).

Submission:

Labcorp Genetics (formerly Invitae), Labcorp
Classification: Pathogenic. Last evaluated: 2024-10-28. Review status: criteria provided, single submitter. Criteria: Invitae Variant Classification Sherloc (09022015). Collection method: clinical testing. Allele origin: germline.
Comment: This sequence change creates a premature translational stop signal (p.Glu1039*) in the ANK1 gene. It is expected to result in an absent or disrupted protein product. Loss-of-function variants in ANK1 are known to be pathogenic (PMID: 8640229). This variant is not present in population databases (gnomAD no frequency). This variant has not been reported in the literature in individuals affected with ANK1-related conditions. Algorithms developed to predict the effect of sequence changes on RNA splicing suggest that this variant may disrupt the consensus splice site. For these reasons, this variant has been classified as Pathogenic.

Literature cited by the submitters: PubMed 8640229.